The following is an entry in ClinVar:

ClinVar aggregate classification (germline): Uncertain significance. Review status: criteria provided, multiple submitters, no conflicts (2 of 4 stars). 2 submissions from 2 submitters: Uncertain significance (2). Last evaluated 2022-05-22.

Conditions:
Neutral 1 amino acid transport defect (HND). Also called: Hartnup disease; HARTNUP DISORDER. Identifiers: Orphanet 2116, MedGen C0018609, MONDO:0009324, OMIM 234500.
Iminoglycinuria. Identifiers: Orphanet 42062, MedGen C0268654, MONDO:0009448, OMIM 242600.
Hyperglycinuria. Also called: GLYCINURIA WITH OR WITHOUT OXALATE NEPHROLITHIASIS; GLYCINURIA WITH OR WITHOUT OXALATE UROLITHIASIS; IMINOGLYCINURIA TYPE II. Identifiers: MedGen C0543541, MONDO:0007677, OMIM 138500, HP:0003108.

Allele frequency attached by ClinVar (database versions not stated): gnomAD exomes below 0.00001.

Submissions (2):

Fulgent Genetics
Classification: Uncertain significance for Hyperglycinuria; Neutral 1 amino acid transport defect; Iminoglycinuria. Last evaluated: 2022-05-22. Review status: criteria provided, single submitter. Criteria: ACMG Guidelines, 2015. Collection method: clinical testing. Allele origin: unknown.

Labcorp Genetics (formerly Invitae), Labcorp
Classification: Uncertain significance. Last evaluated: 2020-11-11. Review status: criteria provided, single submitter. Criteria: Invitae Variant Classification Sherloc (09022015). Collection method: clinical testing. Allele origin: germline.
Comment: In summary, the available evidence is currently insufficient to determine the role of this variant in disease. Therefore, it has been classified as a Variant of Uncertain Significance. Algorithms developed to predict the effect of missense changes on protein structure and function (SIFT, PolyPhen-2, Align-GVGD) all suggest that this variant is likely to be disruptive, but these predictions have not been confirmed by published functional studies and their clinical significance is uncertain. This variant has not been reported in the literature in individuals with SLC6A19-related conditions. This variant is not present in population databases (ExAC no frequency). This sequence change replaces proline with histidine at codon 442 of the SLC6A19 protein (p.Pro442His). The proline residue is highly conserved and there is a moderate physicochemical difference between proline and histidine.

NM_001003841.3(SLC6A19):c.1325C>A (p.Pro442His)

Gene: SLC6A19 (solute carrier family 6 member 19; plus strand). Cytogenetic location: 5p15.33.
Variant type: single nucleotide variant.
Coding change: c.1325C>A on transcript NM_001003841.3 (MANE Select); coding-DNA position 1325, C replaced by A.
Protein change: p.Pro442His; replaces proline 442 with histidine.
Molecular consequence: missense variant.
Genome position (GRCh38, 1-based): chr5:1,219,054, C>A. VCF-style: chr5-1219054-C-A. GRCh37 (hg19) VCF-style: chr5-1219169-C-A.
Other names: short protein forms P442H.
Identifiers: ClinVar variation 1512858 (VCV001512858.9), dbSNP rs1286047743, ClinGen allele CA359073769.